The following is an entry in ClinVar:

NM_003361.4(UMOD):c.1195del (p.His399fs)

Gene: UMOD (uromodulin; minus strand). Cytogenetic location: 16p12.3.
Variant type: Deletion.
Coding change: c.1195del on transcript NM_003361.4 (MANE Select); coding-DNA position 1195, one base deleted (C; older notation c.1195delC).
Protein change: p.His399fs; shifts the reading frame from histidine 399.
Molecular consequence: frameshift variant. On other transcripts: non-coding transcript variant (1).
Genome position (GRCh38, 1-based): chr16:20,344,160, G deleted on the plus strand (C on the coding strand, the reverse complement: UMOD is on the minus strand); the first of 3 consecutive G bases (chr16:20,344,160-20,344,162); deleting any one gives the same sequence. VCF-style (leftmost placement, unchanged base first): chr16-20344159-TG-T. GRCh37 (hg19) VCF-style: chr16-20355481-TG-T.
Other names: c.1195del, p.His399fs (NM_001008389.3, NM_001378232.1, NM_001378233.1 and 3 more transcripts); c.1294del, p.His432fs (NM_001278614.2); short protein forms H399fs, H432fs.
Identifiers: ClinVar variation 1487970 (VCV001487970.8), dbSNP rs780493255, ClinGen allele CA7939230.

ClinVar aggregate classification (germline): Uncertain significance. Review status: criteria provided, multiple submitters, no conflicts (2 of 4 stars). 2 submissions from 2 submitters: Uncertain significance (2). Last evaluated 2024-05-20.

Conditions:
Familial juvenile hyperuricemic nephropathy type 1 (ADTKD1). Also called: Autosomal Dominant Tubulointerstitial Kidney Disease – UMOD; Glomerulocystic kidney disease with hyperuricemia and isosthenuria; Medullary cystic kidney disease 2; UMOD-Associated Kidney Disease; Uromodulin-associated kidney disease. Identifiers: Orphanet 209886, Orphanet 34149, Orphanet 88950, MedGen C4551496, MONDO:0008073, OMIM 162000.

Submissions (2):

Fulgent Genetics
Classification: Uncertain significance for Familial juvenile hyperuricemic nephropathy type 1. Last evaluated: 2024-05-20. Review status: criteria provided, single submitter. Criteria: ACMG Guidelines, 2015. Collection method: clinical testing. Allele origin: germline.

Labcorp Genetics (formerly Invitae), Labcorp
Classification: Uncertain significance. Last evaluated: 2021-11-04. Review status: criteria provided, single submitter. Criteria: Invitae Variant Classification Sherloc (09022015). Collection method: clinical testing. Allele origin: germline.
Comment: This variant has not been reported in the literature in individuals affected with UMOD-related conditions. In summary, the available evidence is currently insufficient to determine the role of this variant in disease. Therefore, it has been classified as a Variant of Uncertain Significance. This variant is present in population databases (rs780493255, gnomAD 0.006%). This sequence change creates a premature translational stop signal (p.His399Metfs*33) in the UMOD gene. It is expected to result in an absent or disrupted protein product. However, the current clinical and genetic evidence is not sufficient to establish whether loss-of-function variants in UMOD cause disease.